The following is an entry in ClinVar:

NM_174936.4(PCSK9):c.10G>C (p.Val4Leu)

Gene: PCSK9 (proprotein convertase subtilisin/kexin type 9; plus strand). Cytogenetic location: 1p32.3.
Variant type: single nucleotide variant.
Coding change: c.10G>C on transcript NM_174936.4 (MANE Select); coding-DNA position 10, G replaced by C.
Protein change: p.Val4Leu; replaces valine 4 with leucine.
Molecular consequence: missense variant.
Genome position (GRCh38, 1-based): chr1:55,039,847, G>C. VCF-style: chr1-55039847-G-C. GRCh37 (hg19) VCF-style: chr1-55505520-G-C.
Other names: short protein forms V4L.
Identifiers: ClinVar variation 920919 (VCV000920919.3), dbSNP rs186669805, ClinGen allele CA340482598.
Genomic context (GRCh38, chr1:55,039,847, plus strand): 5'-GCACGGCCTCTAGGTCTCCTCGCCAGGACAGCAACCTCTCCCCTGGCCCTCATGGGCACC[G>C]TCAGCTCCAGGCGGTCCTGGTGGCCGCTGCCACTGCTGCTGCTGCTGCTGCTGCTCCTGG-3'
Protein context (NP_777596.2, residues 1-14): MGT[Val4Leu]SSRRSWWPLP

ClinVar aggregate classification (germline): Uncertain significance (1 of 4 stars; one submission).

Conditions:
Familial hypercholesterolemia. Also called: Familial hypercholesterolaemia. Identifiers: MedGen C0020445, MONDO:0005439.

Submission:

Color Diagnostics, LLC DBA Color Health
Classification: Uncertain significance for Familial hypercholesterolemia. Last evaluated: 2019-12-11. Review status: criteria provided, single submitter. Criteria: ACMG Guidelines, 2015. Collection method: clinical testing. Allele origin: germline.
Comment: This missense variant replaces valine with leucine at codon 4 of the PCSK9 protein. Computational prediction suggests that this variant may not impact protein structure and function (internally defined REVEL score threshold <= 0.5, PMID: 27666373). Splice site prediction tools suggest that this variant may not impact RNA splicing. To our knowledge, functional studies have not been performed for this variant. This variant has not been reported in individuals affected with familial hypercholesterolemia in the literature. This variant has not been identified in the general population by the Genome Aggregation Database (gnomAD). The available evidence is insufficient to determine the role of this variant in disease conclusively. Therefore, this variant is classified as a Variant of Uncertain Significance.